The following is an entry in ClinVar:

ClinVar aggregate classification (germline): Conflicting classifications of pathogenicity. Review status: criteria provided, conflicting classifications (1 of 4 stars). 3 submissions from 3 submitters: Uncertain significance (2); Likely benign (1). Last evaluated 2025-05-01.

Conditions:
Inborn genetic diseases. Identifiers: MedGen C0950123, MeSH D030342.

Allele frequency attached by ClinVar (database versions not stated): gnomAD exomes 0.00001 and 0.00002; TOPMed 0.00001; ExAC 0.00002; 1000 Genomes Project 30x 0.00016; 1000 Genomes Project 0.00020.
gnomAD v4.1: 16 of 1,614,106 alleles (0.00099%); highest among the groups gnomAD compares: Middle Eastern, 0.049%; no homozygotes.

Submissions (3):

CeGaT Center for Human Genetics Tuebingen
Classification: Likely benign. Last evaluated: 2025-05-01. Review status: criteria provided, single submitter. Criteria: CeGaT Center For Human Genetics Tuebingen Variant Classification Criteria Version 2. Collection method: clinical testing. Allele origin: germline. Affected: yes. Observed: 1 variant allele.
Comment: HDAC4: BP4

Ambry Genetics
Classification: Uncertain significance for Inborn genetic diseases. Last evaluated: 2023-09-21. Review status: criteria provided, single submitter. Criteria: Ambry Variant Classification Scheme 2023. Collection method: clinical testing. Allele origin: germline.

Eurofins Ntd Llc (ga)
Classification: Uncertain significance. Last evaluated: 2017-01-26. Review status: criteria provided, single submitter. Criteria: EGL Classification Definitions 2015. Collection method: clinical testing. Allele origin: germline. Observed: 1 variant allele, 1 heterozygote.

NM_001378414.1(HDAC4):c.922G>A (p.Gly308Arg)

Gene: HDAC4 (histone deacetylase 4; minus strand). Cytogenetic location: 2q37.3.
Variant type: single nucleotide variant.
Coding change: c.922G>A on transcript NM_001378414.1 (MANE Select); coding-DNA position 922, G replaced by A.
Protein change: p.Gly308Arg; replaces glycine 308 with arginine.
Molecular consequence: missense variant.
Genome position (GRCh38, 1-based): chr2:239,139,740, C>T on the plus strand (G>A on the coding strand, the complement: HDAC4 is on the minus strand). VCF-style: chr2-239139740-C-T. GRCh37 (hg19) VCF-style: chr2-240061436-C-T.
Other names: c.922G>A, p.Gly308Arg (NM_001378415.1, NM_001378416.1, NM_001378417.1 and 1 more transcripts); c.922G>A (NM_006037.3); short protein forms G308R.
Identifiers: ClinVar variation 499899 (VCV000499899.16), dbSNP rs551711839, ClinGen allele CA2200010.